The following is an entry in ClinVar:

ClinVar aggregate classification (germline): Uncertain significance (1 of 4 stars; one submission).

Conditions:
Combined immunodeficiency due to LRBA deficiency. Also called: Common variable immunodeficiency 8, with autoimmunity. Identifiers: Orphanet 445018, MedGen C3553512, MONDO:0013863, OMIM 614700.

Allele frequency attached by ClinVar (database versions not stated): gnomAD exomes 0.00001; TOPMed 0.00002.
gnomAD v4.1: 4 of 1,613,824 alleles (0.00025%); highest among the groups gnomAD compares: Admixed American, 0.0067%; no homozygotes.

Submission:

Labcorp Genetics (formerly Invitae), Labcorp
Classification: Uncertain significance for Combined immunodeficiency due to LRBA deficiency. Last evaluated: 2022-08-21. Review status: criteria provided, single submitter. Criteria: Invitae Variant Classification Sherloc (09022015). Collection method: clinical testing. Allele origin: germline.
Comment: This sequence change replaces arginine, which is basic and polar, with threonine, which is neutral and polar, at codon 1905 of the LRBA protein (p.Arg1905Thr). This variant is present in population databases (no rsID available, gnomAD 0.003%). This variant has not been reported in the literature in individuals affected with LRBA-related conditions. Algorithms developed to predict the effect of missense changes on protein structure and function are either unavailable or do not agree on the potential impact of this missense change (SIFT: "Tolerated"; PolyPhen-2: "Probably Damaging"; Align-GVGD: "Class C0"). In summary, the available evidence is currently insufficient to determine the role of this variant in disease. Therefore, it has been classified as a Variant of Uncertain Significance.

NM_001364905.1(LRBA):c.5714G>C (p.Arg1905Thr)

Gene: LRBA (LPS responsive beige-like anchor protein; minus strand). Cytogenetic location: 4q31.3.
Variant type: single nucleotide variant.
Coding change: c.5714G>C on transcript NM_001364905.1 (MANE Select); coding-DNA position 5714, G replaced by C.
Protein change: p.Arg1905Thr; replaces arginine 1905 with threonine.
Molecular consequence: missense variant.
Genome position (GRCh38, 1-based): chr4:150,735,298, C>G on the plus strand (G>C on the coding strand, the complement: LRBA is on the minus strand). VCF-style: chr4-150735298-C-G. GRCh37 (hg19) VCF-style: chr4-151656450-C-G.
Other names: c.5714G>C, p.Arg1905Thr (NM_001367550.1, NM_006726.5, NM_001199282.3); short protein forms R1905T.
Identifiers: ClinVar variation 2202580 (VCV002202580.1), dbSNP rs1251816200, ClinGen allele CA358607691.
Genomic context (GRCh38, chr4:150,735,298, plus strand): 5'-CAACCATATGTGTAACCTACCTCAAATTCCGCATGTCTGTGAATATCTTCTGCTCTCTGC[C>G]TGCTCAGGATAAATTCAGCTTCATTTGCTACTCTTACTAGATGATCCTTCATTGTCTGGC-3'
Protein context (NP_001351834.1, residues 1895-1915): VANEAEFILS[Arg1905Thr]QRAEDIHRHA